The following is an entry in ClinVar:

ClinVar aggregate classification (germline): Conflicting classifications of pathogenicity. Review status: criteria provided, conflicting classifications (1 of 4 stars). 13 submissions from 13 submitters: Uncertain significance (5); Likely benign (8). Last evaluated 2026-05-19.

Conditions:
TSC2-related disorder. Also called: TSC2-Related Disorders; TSC2-related condition.
Hereditary cancer-predisposing syndrome. Also called: Tumor predisposition; Neoplastic Syndromes, Hereditary; Hereditary Cancer Syndrome; Hereditary neoplastic syndrome. Identifiers: Orphanet 140162, MedGen C0027672, MeSH D009386, MONDO:0015356.
Tuberous sclerosis syndrome (TSC). Also called: Tuberous Sclerosis Complex; Tuberous sclerosis. Identifiers: Orphanet 805, MedGen C0041341, MONDO:0001734.
Tuberous sclerosis 2 (TSC2). Identifiers: Orphanet 805, MedGen C1860707, MONDO:0013199, OMIM 613254.

Allele frequency attached by ClinVar (database versions not stated): gnomAD 0.00005 and 0.00006; TOPMed 0.00005; gnomAD exomes 0.00006 and 0.00007; ExAC 0.00007.
gnomAD v4.1: 93 of 1,593,712 alleles (0.0058%); highest among the groups gnomAD compares: Middle Eastern, 0.017%; no homozygotes.

Submissions (13):

PreventionGenetics, part of Exact Sciences
Classification: Likely benign for TSC2-related condition. Last evaluated: 2026-05-19. Review status: criteria provided, single submitter. Criteria: ACMG Guidelines, 2015. Collection method: clinical testing. Allele origin: germline.
Comment: This variant is classified as likely benign based on ACMG/AMP sequence variant interpretation guidelines (Richards et al. 2015 PMID: 25741868, with internal and published modifications).

Labcorp Genetics (formerly Invitae), Labcorp
Classification: Likely benign for Tuberous sclerosis 2. Last evaluated: 2026-02-03. Review status: criteria provided, single submitter. Criteria: Invitae Variant Classification Sherloc (09022015). Collection method: clinical testing. Allele origin: germline.

Myriad Genetics, Inc.
Classification: Likely benign for Tuberous sclerosis 2. Last evaluated: 2025-05-16. Review status: criteria provided, single submitter. Criteria: Myriad Autosomal Dominant, Autosomal Recessive and X-Linked Classification Criteria (2023). Collection method: clinical testing. Allele origin: unknown.
Comment: This variant is considered likely benign. This variant has been observed at a population frequency that is significantly greater than expected given the associated disease prevalence and penetrance.

Quest Diagnostics Nichols Institute San Juan Capistrano
Classification: Uncertain significance. Last evaluated: 2025-03-05. Review status: criteria provided, single submitter. Criteria: Quest Diagnostics criteria. Collection method: clinical testing. Allele origin: unknown.

Mayo Clinic Laboratories, Mayo Clinic
Classification: Likely benign. Last evaluated: 2025-01-20. Review status: criteria provided, single submitter. Criteria: ACMG Guidelines, 2015. Collection method: clinical testing. Allele origin: germline. Observed: 1 variant allele.
Comment: BS1

All of Us Research Program, National Institutes of Health
Classification: Uncertain significance for Tuberous sclerosis syndrome. Last evaluated: 2024-08-23. Review status: criteria provided, single submitter. Criteria: ACMG Guidelines, 2015. Collection method: clinical testing. Allele origin: germline. Inheritance: Autosomal dominant inheritance. Observed: 18 variant alleles, 18 heterozygotes.
Comment: This missense variant replaces arginine with cysteine at codon 691 of the TSC2 protein. Computational prediction is inconclusive regarding the impact of this variant on protein structure and function (internally defined REVEL score threshold 0.5 < inconclusive < 0.7, PMID: 27666373). To our knowledge, functional studies have not been reported for this variant. This variant has not been reported in individuals affected with tuberous sclerosis complex in the literature. This variant has been identified in 16/242594 chromosomes in the general population by the Genome Aggregation Database (gnomAD). The available evidence is insufficient to determine the role of this variant in disease conclusively. Therefore, this variant is classified as a Variant of Uncertain Significance.

This study involves interpretation of variants in research participants for the purpose of population health screening. Participant phenotype was not available at the time of variant classification. Additional details can be found in publication PMID: 35346344, PMCID: PMC8962531

Color Diagnostics, LLC DBA Color Health
Classification: Uncertain significance for Tuberous sclerosis syndrome. Last evaluated: 2024-05-15. Review status: criteria provided, single submitter. Criteria: ACMG Guidelines, 2015. Collection method: clinical testing. Allele origin: germline.
Comment: This missense variant replaces arginine with cysteine at codon 691 of the TSC2 protein. Computational prediction is inconclusive regarding the impact of this variant on protein structure and function. To our knowledge, functional studies have not been reported for this variant. This variant has not been reported in individuals affected with tuberous sclerosis complex in the literature. This variant has been identified in 16/242594 chromosomes in the general population by the Genome Aggregation Database (gnomAD). The available evidence is insufficient to determine the role of this variant in disease conclusively. Therefore, this variant is classified as a Variant of Uncertain Significance.

Blueprint Genetics
Classification: Likely benign. Last evaluated: 2023-12-19. Review status: criteria provided, single submitter. Criteria: ACMG Guidelines, 2015. Collection method: clinical testing. Allele origin: germline.

CeGaT Center for Human Genetics Tuebingen
Classification: Likely benign. Last evaluated: 2023-01-01. Review status: criteria provided, single submitter. Criteria: CeGaT Center For Human Genetics Tuebingen Variant Classification Criteria Version 2. Collection method: clinical testing. Allele origin: germline. Affected: yes. Observed: 2 variant alleles.
Comment: TSC2: BS2

Sema4
Classification: Uncertain significance for Hereditary cancer-predisposing syndrome. Last evaluated: 2021-11-17. Review status: criteria provided, single submitter. Criteria: Sema4 Curation Guidelines. Collection method: curation. Allele origin: germline.
Comment: To the best of our knowledge, the TSC2 c.2071C>T (p.R691C) variant has not been reported in individuals with TSC2-related disease. It was observed in 13/106528 chromosomes of the Non-Finnish European subpopulation, with no homozygotes, in the large and broad cohorts of the Genome Aggregation Database (PMID: 32461654). The variant has been reported in ClinVar (Variation ID 184386). Functional studies have not been performed, and in silico predictions of the variant's effect on protein function are inconclusive. The evidence is insufficient to meet ACMG/AMP criteria for classifying the variant as benign or pathogenic. Thus, the clinical significance of this variant is currently uncertain.

Genome-Nilou Lab
Classification: Likely benign for Tuberous sclerosis 2. Last evaluated: 2021-11-07. Review status: criteria provided, single submitter. Criteria: ACMG Guidelines, 2015. Collection method: clinical testing. Allele origin: germline. Affected: no.

Ambry Genetics
Classification: Likely benign for Hereditary cancer-predisposing syndrome. Last evaluated: 2020-08-03. Review status: criteria provided, single submitter. Criteria: Ambry Variant Classification Scheme 2023. Collection method: clinical testing. Allele origin: germline.

GeneDx
Classification: Uncertain significance. Last evaluated: 2014-02-14. Review status: criteria provided, single submitter. Criteria: GeneDx Variant Classification (06012015). Collection method: clinical testing. Allele origin: germline. Affected: yes.
Comment: p.Arg691Cys (CGC>TGC): c.2071 C>T in exon 19 of the TSC2 gene (NM_000548.3) The Arg691Cys missense change has not been published as a mutation, nor has it been reported as a benign polymorphism to our knowledge. It was not observed in approximately 6,500 individuals of European and African American ancestry in the NHLBI Exome Sequencing Project, indicating it is not a common benign variant in these populations. This variant is a non-conservative amino acid substitution of a positively charged Arginine residue with an uncharged Cysteine residue, and the addition of a Cysteine may alter disulfide bonds and the secondary protein structure. However, this variant alters a position that is not conserved across species, and this substitution does not occur within known functional domains of the tuberin protein, where many pathogenic missense mutations have been identified (Northrup et al., 2011; Au et al., 2007). In silico analysis is inconsistent with regard to the effect this variant may have on the protein structure/function. Therefore, based on the currently available information, it is unclear whether Arg691Cys is a disease-causing mutation or a rare benign variant. The variant is found in INFANT-EPI panel(s).

NM_000548.5(TSC2):c.2071C>T (p.Arg691Cys)

Gene: TSC2 (TSC complex subunit 2; plus strand). Cytogenetic location: 16p13.3.
Variant type: single nucleotide variant.
Coding change: c.2071C>T on transcript NM_000548.5 (MANE Select); coding-DNA position 2071, C replaced by T.
Protein change: p.Arg691Cys; replaces arginine 691 with cysteine.
Molecular consequence: missense variant.
Genome position (GRCh38, 1-based): chr16:2,071,908, C>T. VCF-style: chr16-2071908-C-T. GRCh37 (hg19) VCF-style: chr16-2121909-C-T.
Other names: p.R691C:CGC>TGC; p.Arg691Cys; c.2071C>T, p.Arg691Cys (NM_001077183.3, NM_001114382.3, NM_001363528.2 and 3 more transcripts); c.1960C>T, p.Arg654Cys (NM_001318827.2); c.1924C>T, p.Arg642Cys (NM_001318829.2); c.1471C>T, p.Arg491Cys (NM_001318831.2); c.2104C>T, p.Arg702Cys (NM_001318832.2); c.2071C>T (NM_000548.4); short protein forms R691C, R642C, R654C, R702C, R491C.
Identifiers: ClinVar variation 184386 (VCV000184386.60), dbSNP rs760489473, ClinGen allele CA016553.
Genomic context (GRCh38, chr16:2,071,908, plus strand): 5'-GGCCCGGCGCCTGCAGGCCCCGCCGTGCGGCTGGGGTCCGTGCCCTACTCCCTGCTCTTC[C>T]GCGTCCTGCTGCAGTGCTTGAAGCAGGTGAGTGGGGCCGGGCAGGGACCATCCGTCCCAC-3'
Protein context (NP_000539.2, residues 681-701): LGSVPYSLLF[Arg691Cys]VLLQCLKQES